The following is an entry in ClinVar:

ClinVar aggregate classification (germline): Benign/Likely benign. Review status: criteria provided, multiple submitters, no conflicts (2 of 4 stars). 2 submissions from 2 submitters: Benign (1); Likely benign (1). Last evaluated 2024-11-12.

Conditions:
Hereditary cancer-predisposing syndrome. Also called: Tumor predisposition; Neoplastic Syndromes, Hereditary; Hereditary Cancer Syndrome; Hereditary neoplastic syndrome. Identifiers: Orphanet 140162, MedGen C0027672, MeSH D009386, MONDO:0015356.
Papillary renal cell carcinoma type 1 (RCCP1). Also called: RENAL CELL CARCINOMA, PAPILLARY, 1, SOMATIC; Renal adenocarcinoma; Renal cell carcinoma 1; Renal cell carcinoma, somatic. Identifiers: Orphanet 47044, MedGen C1336839, OMIM 605074, HP:0011797.

Submissions (2):

Myriad Genetics, Inc.
Classification: Benign for Papillary renal cell carcinoma type 1. Last evaluated: 2024-11-12. Review status: criteria provided, single submitter. Criteria: Myriad Autosomal Dominant, Autosomal Recessive and X-Linked Classification Criteria (2023). Collection method: clinical testing. Allele origin: unknown.
Comment: This variant is considered benign. This variant is a silent/synonymous amino acid change and it is not expected to impact splicing.

Ambry Genetics
Classification: Likely benign for Hereditary cancer-predisposing syndrome. Last evaluated: 2021-04-02. Review status: criteria provided, single submitter. Criteria: Ambry Variant Classification Scheme 2023. Collection method: clinical testing. Allele origin: germline.

NM_000245.4(MET):c.3042T>C (p.Asn1014=)

Gene: MET (MET proto-oncogene, receptor tyrosine kinase; plus strand). Cytogenetic location: 7q31.2.
Variant type: single nucleotide variant.
Coding change: c.3042T>C on transcript NM_000245.4 (MANE Select); coding-DNA position 3042, T replaced by C.
Protein change: p.Asn1014=; no amino-acid change (asparagine 1014 retained).
Molecular consequence: synonymous variant.
Genome position (GRCh38, 1-based): chr7:116,774,894, T>C. VCF-style: chr7-116774894-T-C. GRCh37 (hg19) VCF-style: chr7-116414948-T-C.
Other names: c.3096T>C, p.Asn1032= (NM_001127500.3); c.1752T>C, p.Asn584= (NM_001324402.2).
Identifiers: ClinVar variation 1727518 (VCV001727518.3), dbSNP rs2117029559, ClinGen allele CA457218331.